The following is an entry in ClinVar:

NM_001267550.2(TTN):c.49263C>T (p.Tyr16421=)

Genes: TTN (titin; minus strand), TTN-AS1 (TTN antisense RNA 1; plus strand), LOC126806426 (BRD4-independent group 4 enhancer GRCh37_chr2:179478848-179480047; plus strand). Cytogenetic location: 2q31.2.
Variant type: single nucleotide variant.
Coding change: c.49263C>T on transcript NM_001267550.2 (MANE Select); coding-DNA position 49263, C replaced by T.
Protein change: p.Tyr16421=; no amino-acid change (tyrosine 16421 retained).
Molecular consequence: synonymous variant. On other transcripts: non-coding transcript variant (1).
Genome position (GRCh38, 1-based): chr2:178,614,134, G>A on the plus strand (C>T on the coding strand, the complement: TTN is on the minus strand). VCF-style: chr2-178614134-G-A. GRCh37 (hg19) VCF-style: chr2-179478861-G-A.
Other names: c.44340C>T, p.Tyr14780= (NM_001256850.1); c.22068C>T, p.Tyr7356= (NM_003319.4); c.41559C>T, p.Tyr13853= (NM_133378.4); c.22443C>T, p.Tyr7481= (NM_133432.3); c.22644C>T, p.Tyr7548= (NM_133437.4).
Identifiers: ClinVar variation 332848 (VCV000332848.31), dbSNP rs376188859, ClinGen allele CA1994642.

ClinVar aggregate classification (germline): Conflicting classifications of pathogenicity. Review status: criteria provided, conflicting classifications (1 of 4 stars). 13 submissions from 9 submitters: Uncertain significance (4); Benign (1); Likely benign (6). 2 of the submissions do not count toward it. Last evaluated 2025-12-14.

Conditions:
Early-onset myopathy with fatal cardiomyopathy (CMYO5). Also called: Salih Myopathy; CONGENITAL MYOPATHY 5 WITH CARDIOMYOPATHY. Identifiers: Orphanet 289377, MedGen C2673677, MONDO:0012714, OMIM 611705. Disease mechanism: loss of function.
Myopathy, myofibrillar, 9, with early respiratory failure (MFM9). Also called: MYOPATHY, PROXIMAL, WITH EARLY RESPIRATORY MUSCLE INVOLVEMENT; Hereditary myopathy with early respiratory failure; Myopathy, distal, with early respiratory failure, autosomal dominant; EDSTROM MYOPATHY. Identifiers: Orphanet 178464, Orphanet 34521, MedGen C1863599, MONDO:0011362, OMIM 603689.
Cardiovascular phenotype. Identifiers: MedGen CN230736.
Autosomal recessive limb-girdle muscular dystrophy type 2J (LGMDR10). Also called: Limb-girdle muscular dystrophy, type 2J; MUSCULAR DYSTROPHY, LIMB-GIRDLE, AUTOSOMAL RECESSIVE 10. Identifiers: Orphanet 140922, MedGen C1837342, MONDO:0012127, OMIM 608807.
TTN-related disorder. Also called: TTN-related disorders; TTN-related condition; TTN-related disease.
Dilated cardiomyopathy 1G (CMD1G). Identifiers: Orphanet 154, MedGen C1858763, MONDO:0011400, OMIM 604145.
Tibial muscular dystrophy (TMD). Also called: UDD MYOPATHY; Tibial muscular dystrophy, tardive; Udd Distal Myopathy – Tibial Muscular Dystrophy. Identifiers: Orphanet 609, MedGen C1838244, MONDO:0010870, OMIM 600334.

Allele frequency attached by ClinVar (database versions not stated): ExAC 0.00003; gnomAD exomes 0.00003 and 0.00004; gnomAD 0.00004 and 0.00005; TOPMed 0.00005; ESP Exome Variant Server 0.00017.
gnomAD v4.1: 57 of 1,612,352 alleles (0.0035%); highest among the groups gnomAD compares: Non-Finnish European, 0.0046%; no homozygotes.

Submissions (13):

Labcorp Genetics (formerly Invitae), Labcorp
Classification: Likely benign for Dilated cardiomyopathy 1G; Autosomal recessive limb-girdle muscular dystrophy type 2J. Last evaluated: 2025-12-14. Review status: criteria provided, single submitter. Criteria: Invitae Variant Classification Sherloc (09022015). Collection method: clinical testing. Allele origin: germline.

PreventionGenetics, part of Exact Sciences
Classification: Likely benign for TTN-related condition. Last evaluated: 2025-12-09. Review status: criteria provided, single submitter. Criteria: ACMG Guidelines, 2015. Collection method: clinical testing. Allele origin: germline.
Comment: This variant is classified as likely benign based on ACMG/AMP sequence variant interpretation guidelines (Richards et al. 2015 PMID: 25741868, with internal and published modifications).

Molecular Diagnostic Laboratory for Inherited Cardiovascular Disease, Montreal Heart Institute
Classification: Likely benign. Last evaluated: 2025-04-09. Review status: criteria provided, single submitter. Criteria: ACMG Guidelines, 2015. Collection method: clinical testing. Allele origin: germline. Affected: no.

GeneDx
Classification: Likely benign. Last evaluated: 2020-03-20. Review status: criteria provided, single submitter. Criteria: GeneDx Variant Classification Process June 2021. Collection method: clinical testing. Allele origin: germline. Affected: yes.

Ambry Genetics
Classification: Likely benign for Cardiovascular phenotype. Last evaluated: 2018-08-25. Review status: criteria provided, single submitter. Criteria: Ambry Variant Classification Scheme 2023. Collection method: clinical testing. Allele origin: germline.

Eurofins Ntd Llc (ga)
Classification: Uncertain significance. Last evaluated: 2018-06-29. Review status: criteria provided, single submitter. Criteria: EGL ClinVar v180209 classification definitions. Collection method: clinical testing. Allele origin: germline. Observed: 1 variant allele, 1 heterozygote.

Illumina Laboratory Services, Illumina
Classification: Uncertain significance for Autosomal recessive limb-girdle muscular dystrophy type 2J. Last evaluated: 2018-01-13. Review status: criteria provided, single submitter. Criteria: ICSL Variant Classification Criteria 13 December 2019. Collection method: clinical testing. Allele origin: germline.

Illumina Laboratory Services, Illumina
Classification: Uncertain significance for Early-onset myopathy with fatal cardiomyopathy. Last evaluated: 2018-01-13. Review status: criteria provided, single submitter. Criteria: ICSL Variant Classification Criteria 13 December 2019. Collection method: clinical testing. Allele origin: germline.

Illumina Laboratory Services, Illumina
Classification: Benign for Tibial muscular dystrophy. Last evaluated: 2018-01-13. Review status: criteria provided, single submitter. Criteria: ICSL Variant Classification Criteria 13 December 2019. Collection method: clinical testing. Allele origin: germline.
Comment: This variant was observed in the ICSL laboratory as part of a predisposition screen in an ostensibly healthy population. It had not been previously curated by ICSL or reported in the Human Gene Mutation Database (HGMD: prior to June 1st, 2018), and was therefore a candidate for classification through an automated scoring system. Utilizing variant allele frequency, disease prevalence and penetrance estimates, and inheritance mode, an automated score was calculated to assess if this variant is too frequent to cause the disease. Based on the score and internal cut-off values, a variant classified as benign is not then subjected to further curation. The score for this variant resulted in a classification of benign for this disease.

Illumina Laboratory Services, Illumina
Classification: Likely benign for Myopathy, myofibrillar, 9, with early respiratory failure. Last evaluated: 2018-01-13. Review status: criteria provided, single submitter. Criteria: ICSL Variant Classification Criteria 13 December 2019. Collection method: clinical testing. Allele origin: germline.
Comment: This variant was observed in the ICSL laboratory as part of a predisposition screen in an ostensibly healthy population. It had not been previously curated by ICSL or reported in the Human Gene Mutation Database (HGMD: prior to June 1st, 2018), and was therefore a candidate for classification through an automated scoring system. Utilizing variant allele frequency, disease prevalence and penetrance estimates, and inheritance mode, an automated score was calculated to assess if this variant is too frequent to cause the disease. Based on the score and internal cut-off values, a variant classified as likely benign is not then subjected to further curation. The score for this variant resulted in a classification of likely benign for this disease.

Illumina Laboratory Services, Illumina
Classification: Uncertain significance for Dilated cardiomyopathy 1G. Last evaluated: 2018-01-13. Review status: criteria provided, single submitter. Criteria: ICSL Variant Classification Criteria 13 December 2019. Collection method: clinical testing. Allele origin: germline.

Diagnostic Laboratory, Department of Genetics, University Medical Center Groningen
Classification: Likely benign. Review status: no assertion criteria provided. Collection method: clinical testing. Allele origin: germline. Affected: yes. Study: VKGL Data-share Consensus. Not counted in ClinVar's aggregate classification.

Joint Genome Diagnostic Labs from Nijmegen and Maastricht, Radboudumc and MUMC+
Classification: Benign. Review status: no assertion criteria provided. Collection method: clinical testing. Allele origin: germline. Affected: yes. Study: VKGL Data-share Consensus. Not counted in ClinVar's aggregate classification.